The following is an entry in ClinVar:

NM_000051.4(ATM):c.4110-1G>C

Gene: ATM (ATM serine/threonine kinase; plus strand). Cytogenetic location: 11q22.3.
Variant type: single nucleotide variant.
Coding change: c.4110-1G>C on transcript NM_000051.4 (MANE Select); the canonical splice acceptor site of the intron before coding-DNA position 4110, G replaced by C.
Molecular consequence: splice acceptor variant.
Genome position (GRCh38, 1-based): chr11:108,288,976, G>C. VCF-style: chr11-108288976-G-C. GRCh37 (hg19) VCF-style: chr11-108159703-G-C.
Other names: c.4110-1G>C (NM_001351834.2).
Identifiers: ClinVar variation 834436 (VCV000834436.15), dbSNP rs1060501692, ClinGen allele CA382529698.

ClinVar aggregate classification (germline): Pathogenic/Likely pathogenic. Review status: criteria provided, multiple submitters, no conflicts (2 of 4 stars). 8 submissions from 8 submitters: Pathogenic (4); Likely pathogenic (4). Last evaluated 2025-11-12.

Conditions:
Familial colorectal cancer type X. Identifiers: Orphanet 440437, MedGen C3896578, MONDO:0018604.
Ataxia-telangiectasia syndrome (AT). Also called: Ataxia-telangiectasia, complementation group E; Ataxia telangiectasia (A-T); LOUIS-BAR SYNDROME; Ataxia-telangiectasia, complementation group D; AT, COMPLEMENTATION GROUP C; Ataxia-telangiectasia. Identifiers: Orphanet 100, MedGen C0004135, MONDO:0008840, OMIM 208900.
Familial cancer of breast. Also called: BREAST CANCER, FAMILIAL; hereditary breast carcinoma; Hereditary breast cancer. Identifiers: Orphanet 227535, MedGen C0346153, MONDO:0016419, OMIM 114480. Disease mechanism: loss of function.
ATM-related disorder. Also called: ATM-related disorders; ATM-related condition.
Hereditary cancer-predisposing syndrome. Also called: Neoplastic Syndromes, Hereditary; Hereditary neoplastic syndrome; Tumor predisposition; Hereditary Cancer Syndrome. Identifiers: Orphanet 140162, MedGen C0027672, MeSH D009386, MONDO:0015356.

Submissions (8):

Natera, Inc.
Classification: Pathogenic for Ataxia-telangiectasia. Last evaluated: 2025-11-12. Review status: criteria provided, single submitter. Criteria: Natera Variant Classification Schema (03/2026). Collection method: clinical testing. Allele origin: germline.
Comment: The c.4110-1G>C variant in ATM is a canonical splice acceptor site variant predicted to affect pre-mRNA splicing, which may result in an abnormal transcript and altered protein product. This variant is expected to result in nonsense mediated decay, truncation, or a dysfunctional protein product. This variant is rare in the general population with a frequency below the threshold expected for the associated phenotype(s). Another variant at this same site results in an alteration predicted to cause a similar molecular effect has been observed in individual(s) with the associated phenotype. Given the available evidence, this variant is classified as Pathogenic.

Color Diagnostics, LLC DBA Color Health
Classification: Pathogenic for Hereditary cancer-predisposing syndrome. Last evaluated: 2025-10-14. Review status: criteria provided, single submitter. Criteria: ACMG Guidelines, 2015. Collection method: clinical testing. Allele origin: germline.
Comment: This variant causes a G to T nucleotide substitution at the -1 position of intron 27 in the ATM gene. Splice site prediction tools suggest that this variant may have a significant impact on RNA splicing. Although this prediction has not been confirmed in published RNA studies, this variant is expected to result in an absent or disrupted protein product. This variant has been reported in an individual affected with gastric cancer (PMID: 40446793). This variant has not been identified in the general population by the Genome Aggregation Database (gnomAD). A different variant at the same position, c.4110-1G>A, has been shown to be disease-causing (ClinVar Variation ID: 407707). Loss of ATM function is a known mechanism of disease. Based on the available evidence, this variant is classified as Pathogenic.

Ambry Genetics
Classification: Likely pathogenic for Hereditary cancer-predisposing syndrome. Last evaluated: 2025-04-07. Review status: criteria provided, single submitter. Criteria: Ambry Variant Classification Scheme 2023. Collection method: clinical testing. Allele origin: germline.
Comment: The c.4110-1G>C intronic variant results from a G to C substitution one nucleotide upstream from coding exon 27 of the ATM gene. This nucleotide position is highly conserved in available vertebrate species. In silico splice site analysis predicts that this alteration will weaken the native splice acceptor site. RNA studies have demonstrated that this alteration results in abnormal splicing in the set of samples tested (Ambry internal data). This variant is considered to be rare based on population cohorts in the Genome Aggregation Database (gnomAD). Based on the majority of available evidence to date, this variant is likely to be pathogenic.

Greenwood Genetic Center Diagnostic Laboratories, Greenwood Genetic Center
Classification: Likely pathogenic for ATM-related disorder. Last evaluated: 2024-06-20. Review status: criteria provided, single submitter. Criteria: ACMG Guidelines, 2015. Collection method: clinical testing. Allele origin: germline.
Comment: PVS1, PM2

Labcorp Genetics (formerly Invitae), Labcorp
Classification: Pathogenic for Ataxia-telangiectasia syndrome. Last evaluated: 2024-01-24. Review status: criteria provided, single submitter. Criteria: Invitae Variant Classification Sherloc (09022015). Collection method: clinical testing. Allele origin: germline.
Comment: This sequence change affects an acceptor splice site in intron 27 of the ATM gene. RNA analysis indicates that disruption of this splice site induces altered splicing and may result in an absent or disrupted protein product. This variant is not present in population databases (gnomAD no frequency). Disruption of this splice site has been observed in individual(s) with clinical features of ataxia-telangiectasia (PMID: 14695534). ClinVar contains an entry for this variant (Variation ID: 834436). Studies have shown that disruption of this splice site alters ATM gene expression (PMID: 14695534). Studies have shown that disruption of this splice site results in activation of a cryptic splice site and introduces a premature termination codon (PMID: 14695534). The resulting mRNA is expected to undergo nonsense-mediated decay. For these reasons, this variant has been classified as Pathogenic.

Myriad Genetics, Inc.
Classification: Likely pathogenic for Familial cancer of breast. Last evaluated: 2024-01-23. Review status: criteria provided, single submitter. Criteria: Myriad Autosomal Dominant, Autosomal Recessive and X-Linked Classification Criteria (2023). Collection method: clinical testing. Allele origin: unknown.
Comment: This variant is considered likely pathogenic. This variant occurs within a consensus splice junction and is predicted to result in abnormal mRNA splicing of either an out-of-frame exon or an in-frame exon necessary for protein stability and/or normal function.

Baylor Genetics
Classification: Likely pathogenic for Familial cancer of breast. Last evaluated: 2023-04-06. Review status: criteria provided, single submitter. Criteria: ACMG Guidelines, 2015. Collection method: clinical testing. Allele origin: unknown.

Department of Pathology and Laboratory Medicine, Sinai Health System
Classification: Pathogenic for Familial colorectal cancer type X. Last evaluated: 2021-07-20. Review status: criteria provided, single submitter. Criteria: ACMG Guidelines, 2015. Collection method: clinical testing. Allele origin: germline. Affected: yes.

Literature cited by the submitters: PubMed 40446793 (cited by Color Diagnostics, LLC DBA Color Health); PubMed 14695534 (cited by Labcorp Genetics (formerly Invitae), Labcorp).